The following is an entry in ClinVar:

ClinVar aggregate classification (germline): Pathogenic/Likely pathogenic. Review status: criteria provided, multiple submitters, no conflicts (2 of 4 stars). 2 submissions from 2 submitters: Pathogenic (1); Likely pathogenic (1). Last evaluated 2024-08-11.

Conditions:
Familial meningioma. Also called: Meningioma, familial, susceptibility to. Identifiers: Orphanet 263662, MedGen C3551915, MONDO:0011789, OMIM 607174.

Submissions (2):

Labcorp Genetics (formerly Invitae), Labcorp
Classification: Pathogenic for Familial meningioma. Last evaluated: 2024-08-11. Review status: criteria provided, single submitter. Criteria: Invitae Variant Classification Sherloc (09022015). Collection method: clinical testing. Allele origin: germline.
Comment: This sequence change creates a premature translational stop signal (p.Tyr31Serfs*40) in the SMARCE1 gene. It is expected to result in an absent or disrupted protein product. Loss-of-function variants in SMARCE1 are known to be pathogenic (PMID: 23377182). This variant is not present in population databases (gnomAD no frequency). This variant has not been reported in the literature in individuals affected with SMARCE1-related conditions. ClinVar contains an entry for this variant (Variation ID: 1459773). For these reasons, this variant has been classified as Pathogenic.

Baylor Genetics
Classification: Likely pathogenic for Familial meningioma. Last evaluated: 2023-01-11. Review status: criteria provided, single submitter. Criteria: ACMG Guidelines, 2015. Collection method: clinical testing. Allele origin: unknown.

Literature cited by the submitters: PubMed 23377182 (cited by Labcorp Genetics (formerly Invitae), Labcorp).

NM_003079.5(SMARCE1):c.92del (p.Tyr31fs)

Gene: SMARCE1 (SWI/SNF related BAF chromatin remodeling complex subunit E1; minus strand). Cytogenetic location: 17q21.2.
Variant type: Deletion.
Coding change: c.92del on transcript NM_003079.5 (MANE Select); coding-DNA position 92, one base deleted (A; older notation c.92delA).
Protein change: p.Tyr31fs; shifts the reading frame from tyrosine 31.
Molecular consequence: frameshift variant.
Genome position (GRCh38, 1-based): chr17:40,642,519, T deleted on the plus strand (A on the coding strand, the reverse complement: SMARCE1 is on the minus strand). VCF-style (leftmost placement, unchanged base first): chr17-40642518-GT-G. GRCh37 (hg19) VCF-style: chr17-38798770-GT-G.
Other names: short protein forms Y31fs.
Identifiers: ClinVar variation 1459773 (VCV001459773.7), dbSNP rs2144009190, ClinGen allele CA2573153727.